The following is an entry in ClinVar:

NM_001365951.3(KIF1B):c.2474T>C (p.Val825Ala)

Gene: KIF1B (kinesin family member 1B; plus strand). Cytogenetic location: 1p36.22.
Variant type: single nucleotide variant.
Coding change: c.2474T>C on transcript NM_001365951.3 (MANE Select); coding-DNA position 2474, T replaced by C.
Protein change: p.Val825Ala; replaces valine 825 with alanine.
Molecular consequence: missense variant.
Genome position (GRCh38, 1-based): chr1:10,323,999, T>C. VCF-style: chr1-10323999-T-C. GRCh37 (hg19) VCF-style: chr1-10384057-T-C.
Other names: c.2474T>C, p.Val825Ala (NM_001365952.1); c.2336T>C, p.Val779Ala (NM_015074.3); short protein forms V779A, V825A.
Identifiers: ClinVar variation 4543613 (VCV004543613.1).
Genomic context (GRCh38, chr1:10,323,999, plus strand): 5'-AATTACTTCCCACTGAGATGGAAAAAACTCATGAGGACAGGCCTTTCCCTCGCACAGTGG[T>C]AGCAGTAGAAGTCCAGGATTTGAAGAATGGAGCAACACACTATTGGTCTTTGGAGAAACT-3'
Protein context (NP_001352880.1, residues 815-835): HEDRPFPRTV[Val825Ala]AVEVQDLKNG

ClinVar aggregate classification (germline): Uncertain significance (1 of 4 stars; one submission).

Submission:

Ambry Genetics
Classification: Uncertain significance. Last evaluated: 2025-09-24. Review status: criteria provided, single submitter. Criteria: Ambry Variant Classification Scheme 2023. Collection method: clinical testing. Allele origin: germline.
Comment: The p.V779A variant (also known as c.2336T>C), located in coding exon 22 of the KIF1B gene, results from a T to C substitution at nucleotide position 2336. The valine at codon 779 is replaced by alanine, an amino acid with similar properties. This amino acid position is highly conserved in available vertebrate species. In addition, the in silico prediction for this alteration is inconclusive. The evidence for this gene-disease relationship is limited; therefore, the clinical significance of this alteration is unclear.